The following is an entry in ClinVar:

NM_018319.4(TDP1):c.1236A>G (p.Leu412=)

Gene: TDP1 (tyrosyl-DNA phosphodiesterase 1; plus strand). Cytogenetic location: 14q32.11.
Variant type: single nucleotide variant.
Coding change: c.1236A>G on transcript NM_018319.4 (MANE Select); coding-DNA position 1236, A replaced by G.
Protein change: p.Leu412=; no amino-acid change (leucine 412 retained).
Molecular consequence: synonymous variant.
Genome position (GRCh38, 1-based): chr14:89,989,009, A>G. VCF-style: chr14-89989009-A-G. GRCh37 (hg19) VCF-style: chr14-90455353-A-G.
Other names: c.1236A>G, p.Leu412= (NM_001008744.2, NM_001330205.2).
Identifiers: ClinVar variation 3046657 (VCV003046657.2), dbSNP rs150288037, ClinGen allele CA7303874.

ClinVar aggregate classification (germline): Likely benign (0 of 4 stars; one submission).

Conditions:
TDP1-related disorder. Also called: TDP1-related condition.

Allele frequency attached by ClinVar (database versions not stated): gnomAD 0.00003; gnomAD exomes 0.00003; TOPMed 0.00005; ESP Exome Variant Server 0.00008; ExAC 0.00009.
gnomAD v4.1: 54 of 1,614,016 alleles (0.0033%); highest among the groups gnomAD compares: Admixed American, 0.012%; no homozygotes.

Submission:

PreventionGenetics, part of Exact Sciences
Classification: Likely benign for TDP1-related condition. Last evaluated: 2019-03-27. Review status: no assertion criteria provided. Collection method: clinical testing. Allele origin: germline.
Comment: This variant is classified as likely benign based on ACMG/AMP sequence variant interpretation guidelines (Richards et al. 2015 PMID: 25741868, with internal and published modifications).